The following is an entry in ClinVar:

ClinVar aggregate classification (germline): Uncertain significance. Review status: criteria provided, multiple submitters, no conflicts (2 of 4 stars). 3 submissions from 3 submitters: Uncertain significance (3). Last evaluated 2025-06-17.

Conditions:
Inborn genetic diseases. Identifiers: MedGen C0950123, MeSH D030342.

Allele frequency attached by ClinVar (database versions not stated): gnomAD 0.00001; gnomAD exomes 0.00001; TOPMed 0.00001.
gnomAD v4.1: 5 of 1,613,718 alleles (0.00031%); highest among the groups gnomAD compares: African/African-American, 0.0013%; no homozygotes.

Submissions (3):

Ambry Genetics
Classification: Uncertain significance for Inborn genetic diseases. Last evaluated: 2025-06-17. Review status: criteria provided, single submitter. Criteria: Ambry Variant Classification Scheme 2023. Collection method: clinical testing. Allele origin: germline.

Labcorp Genetics (formerly Invitae), Labcorp
Classification: Uncertain significance. Last evaluated: 2025-04-28. Review status: criteria provided, single submitter. Criteria: Invitae Variant Classification Sherloc (09022015). Collection method: clinical testing. Allele origin: germline.
Comment: This sequence change replaces glutamine, which is neutral and polar, with arginine, which is basic and polar, at codon 383 of the COMP protein (p.Gln383Arg). This variant is not present in population databases (gnomAD no frequency). This variant has not been reported in the literature in individuals affected with COMP-related conditions. ClinVar contains an entry for this variant (Variation ID: 439548). Invitae Evidence Modeling of protein sequence and biophysical properties (such as structural, functional, and spatial information, amino acid conservation, physicochemical variation, residue mobility, and thermodynamic stability) indicates that this missense variant is not expected to disrupt COMP protein function with a negative predictive value of 80%. In summary, the available evidence is currently insufficient to determine the role of this variant in disease. Therefore, it has been classified as a Variant of Uncertain Significance.

ARUP Laboratories, Molecular Genetics and Genomics, ARUP Laboratories
Classification: Uncertain significance. Last evaluated: 2016-08-24. Review status: criteria provided, single submitter. Criteria: ARUP Molecular Germline Variant Investigation Process. Collection method: clinical testing. Allele origin: germline.

NM_000095.3(COMP):c.1148A>G (p.Gln383Arg)

Gene: COMP (cartilage oligomeric matrix protein; minus strand). Cytogenetic location: 19p13.11.
Variant type: single nucleotide variant.
Coding change: c.1148A>G on transcript NM_000095.3 (MANE Select); coding-DNA position 1148, A replaced by G.
Protein change: p.Gln383Arg; replaces glutamine 383 with arginine.
Molecular consequence: missense variant.
Genome position (GRCh38, 1-based): chr19:18,786,638, T>C on the plus strand (A>G on the coding strand, the complement: COMP is on the minus strand). VCF-style: chr19-18786638-T-C. GRCh37 (hg19) VCF-style: chr19-18897448-T-C.
Other names: c.1148A>G (NM_000095.2); short protein forms Q383R.
Identifiers: ClinVar variation 439548 (VCV000439548.14), dbSNP rs1221968769, ClinGen allele CA404887212.